The following is an entry in ClinVar:

ClinVar aggregate classification (germline): Uncertain significance (1 of 4 stars; one submission).

Conditions:
Pure or complex autosomal recessive spastic paraplegia. Identifiers: Orphanet 320346, MedGen C5679887, MONDO:0017915.

Allele frequency attached by ClinVar (database versions not stated): TOPMed below 0.00001; gnomAD exomes 0.00001.
gnomAD v4.1: 21 of 1,613,768 alleles (0.0013%); highest among the groups gnomAD compares: Non-Finnish European, 0.0018%; no homozygotes.

Submission:

Labcorp Genetics (formerly Invitae), Labcorp
Classification: Uncertain significance for Pure or complex autosomal recessive spastic paraplegia. Last evaluated: 2023-05-11. Review status: criteria provided, single submitter. Criteria: Invitae Variant Classification Sherloc (09022015). Collection method: clinical testing. Allele origin: germline.
Comment: In summary, the available evidence is currently insufficient to determine the role of this variant in disease. Therefore, it has been classified as a Variant of Uncertain Significance. Experimental studies and prediction algorithms are not available or were not evaluated, and the functional significance of this variant is currently unknown. This variant has not been reported in the literature in individuals affected with ZFR-related conditions. This variant is not present in population databases (gnomAD no frequency). This sequence change replaces threonine, which is neutral and polar, with alanine, which is neutral and non-polar, at codon 256 of the ZFR protein (p.Thr256Ala).

NM_016107.5(ZFR):c.766A>G (p.Thr256Ala)

Gene: ZFR (zinc finger RNA binding protein; minus strand). Cytogenetic location: 5p13.3.
Variant type: single nucleotide variant.
Coding change: c.766A>G on transcript NM_016107.5 (MANE Select); coding-DNA position 766, A replaced by G.
Protein change: p.Thr256Ala; replaces threonine 256 with alanine.
Molecular consequence: missense variant. On other transcripts: non-coding transcript variant (1).
Genome position (GRCh38, 1-based): chr5:32,414,987, T>C on the plus strand (A>G on the coding strand, the complement: ZFR is on the minus strand). VCF-style: chr5-32414987-T-C. GRCh37 (hg19) VCF-style: chr5-32415092-T-C.
Other names: short protein forms T256A.
Identifiers: ClinVar variation 2729326 (VCV002729326.3), dbSNP rs889888671, ClinGen allele CA116805066.
Genomic context (GRCh38, chr5:32,414,987, plus strand): 5'-CCTAATTTGTTTACTCATTTAAACACAGTTTATCAGTCTTACCAGAATATGTAACTGCTG[T>C]GGTACTGTAAGTAGCACTCTGAGTATAGGATGGCACCACAGTAGCCGCAGCTGCTACTGG-3'
Protein context (NP_057191.2, residues 246-266): SYTQSATYST[Thr256Ala]AVTYSGTSYS